The following is an entry in ClinVar:

ClinVar aggregate classification (germline): Uncertain significance (1 of 4 stars; one submission).

Conditions:
Cardiovascular phenotype. Identifiers: MedGen CN230736.
Hereditary cancer-predisposing syndrome. Also called: Tumor predisposition; Neoplastic Syndromes, Hereditary; Hereditary Cancer Syndrome; Hereditary neoplastic syndrome. Identifiers: Orphanet 140162, MedGen C0027672, MeSH D009386, MONDO:0015356.

Submission:

Ambry Genetics
Classification: Uncertain significance for Cardiovascular phenotype; Hereditary cancer-predisposing syndrome. Last evaluated: 2024-12-13. Review status: criteria provided, single submitter. Criteria: Ambry Variant Classification Scheme 2023. Collection method: clinical testing. Allele origin: germline.
Comment: The p.Q11L variant (also known as c.32A>T), located in coding exon 1 of the NF1 gene, results from an A to T substitution at nucleotide position 32. The glutamine at codon 11 is replaced by leucine, an amino acid with dissimilar properties. This amino acid position is well conserved in available vertebrate species. In addition, this alteration is predicted to be tolerated by in silico analysis. Based on the available evidence, the clinical significance of this variant remains unclear.

NM_001042492.3(NF1):c.32A>T (p.Gln11Leu)

Genes: NF1 (neurofibromin 1; plus strand), MIR4733HG (MIR4733 host gene; minus strand), LOC111811965 (NF1 (neurofibromin 1) promoter region; plus strand). Cytogenetic location: 17q11.2.
Variant type: single nucleotide variant.
Coding change: c.32A>T on transcript NM_001042492.3 (MANE Select); coding-DNA position 32, A replaced by T.
Protein change: p.Gln11Leu; replaces glutamine 11 with leucine.
Molecular consequence: missense variant. On other transcripts: non-coding transcript variant (1).
Genome position (GRCh38, 1-based): chr17:31,095,341, A>T. VCF-style: chr17-31095341-A-T. GRCh37 (hg19) VCF-style: chr17-29422359-A-T.
Other names: c.32A>T, p.Gln11Leu (NM_000267.4, NM_001128147.3); short protein forms Q11L.
Identifiers: ClinVar variation 3878975 (VCV003878975.1).